The following is an entry in ClinVar:

ClinVar aggregate classification (germline): Benign/Likely benign. Review status: criteria provided, multiple submitters, no conflicts (2 of 4 stars). 5 submissions from 5 submitters: Benign (1); Likely benign (4). Last evaluated 2026-01-16.

Conditions:
Congenital contractural arachnodactyly (CCA). Also called: BEALS SYNDROME; Beals-Hecht syndrome; Arthrogryposis, distal, type 9. Identifiers: Orphanet 115, MedGen C0220668, MONDO:0007363, OMIM 121050.
FBN2-related disorder. Also called: FBN2-related condition.
Familial thoracic aortic aneurysm and aortic dissection (TAAD). Also called: Thoracic aortic aneurysms and dissections. Identifiers: Orphanet 91387, MedGen C4707243, MONDO:0019625.

Allele frequency attached by ClinVar (database versions not stated): gnomAD below 0.00001 and 0.00001; gnomAD exomes 0.00010 and 0.00016; ExAC 0.00018.
gnomAD v4.1: 145 of 1,613,938 alleles (0.009%); highest among the groups gnomAD compares: South Asian, 0.16%; 2 homozygotes.

Submissions (5):

PreventionGenetics, part of Exact Sciences
Classification: Likely benign for FBN2-related condition. Last evaluated: 2026-01-16. Review status: criteria provided, single submitter. Criteria: ACMG Guidelines, 2015. Collection method: clinical testing. Allele origin: germline.
Comment: This variant is classified as likely benign based on ACMG/AMP sequence variant interpretation guidelines (Richards et al. 2015 PMID: 25741868, with internal and published modifications).

Labcorp Genetics (formerly Invitae), Labcorp
Classification: Benign for Congenital contractural arachnodactyly. Last evaluated: 2025-11-03. Review status: criteria provided, single submitter. Criteria: Invitae Variant Classification Sherloc (09022015). Collection method: clinical testing. Allele origin: germline.

Ambry Genetics
Classification: Likely benign for Familial thoracic aortic aneurysm and aortic dissection. Last evaluated: 2025-06-10. Review status: criteria provided, single submitter. Criteria: Ambry Variant Classification Scheme 2023. Collection method: clinical testing. Allele origin: germline.

Blueprint Genetics
Classification: Likely benign. Last evaluated: 2024-01-15. Review status: criteria provided, single submitter. Criteria: ACMG Guidelines, 2015. Collection method: clinical testing. Allele origin: germline.

GeneDx
Classification: Likely benign. Last evaluated: 2018-04-02. Review status: criteria provided, single submitter. Criteria: GeneDx Variant Classification (06012015). Collection method: clinical testing. Allele origin: germline. Affected: yes.
Comment: This variant is considered likely benign or benign based on one or more of the following criteria: it is a conservative change, it occurs at a poorly conserved position in the protein, it is predicted to be benign by multiple in silico algorithms, and/or has population frequency not consistent with disease.

NM_001999.4(FBN2):c.8559C>T (p.Leu2853=)

Gene: FBN2 (fibrillin 2; minus strand). Cytogenetic location: 5q23.3.
Variant type: single nucleotide variant.
Coding change: c.8559C>T on transcript NM_001999.4 (MANE Select); coding-DNA position 8559, C replaced by T.
Protein change: p.Leu2853=; no amino-acid change (leucine 2853 retained).
Molecular consequence: synonymous variant.
Genome position (GRCh38, 1-based): chr5:128,259,635, G>A on the plus strand (C>T on the coding strand, the complement: FBN2 is on the minus strand). VCF-style: chr5-128259635-G-A. GRCh37 (hg19) VCF-style: chr5-127595327-G-A.
Identifiers: ClinVar variation 680879 (VCV000680879.12), dbSNP rs778576181, ClinGen allele CA3393786.
Genomic context (GRCh38, chr5:128,259,635, plus strand): 5'-AGTGATTTCCAGTGTGTATGTGCCGGGCATGAGCTTCTTCTTGGCCGTGTGCAAGTAGCT[G>A]AGCCCATTCCTTTGGTGGATGCGGAAGACGCTGTCATCGTTCCCTTGAGAGATGACATAA-3'
Protein context (NP_001990.2, residues 2843-2863): SVFRIHQRNG[Leu2853=]SYLHTAKKKL